The following is an entry in ClinVar:

ClinVar aggregate classification (germline): Uncertain significance. Review status: criteria provided, multiple submitters, no conflicts (2 of 4 stars). 2 submissions from 2 submitters: Uncertain significance (2). Last evaluated 2024-07-05.

Allele frequency attached by ClinVar (database versions not stated): ExAC 0.00004; gnomAD 0.00004; gnomAD exomes 0.00004; TOPMed 0.00004.
gnomAD v4.1: 58 of 1,611,240 alleles (0.0036%); highest among the groups gnomAD compares: Middle Eastern, 0.033%; no homozygotes.

Submissions (2):

Ambry Genetics
Classification: Uncertain significance. Last evaluated: 2024-07-05. Review status: criteria provided, single submitter. Criteria: Ambry Variant Classification Scheme 2023. Collection method: clinical testing. Allele origin: germline.

Labcorp Genetics (formerly Invitae), Labcorp
Classification: Uncertain significance. Last evaluated: 2023-12-19. Review status: criteria provided, single submitter. Criteria: Invitae Variant Classification Sherloc (09022015). Collection method: clinical testing. Allele origin: germline.
Comment: This sequence change replaces arginine, which is basic and polar, with cysteine, which is neutral and slightly polar, at codon 424 of the MYLIP protein (p.Arg424Cys). This variant is present in population databases (rs753046284, gnomAD 0.009%). This variant has not been reported in the literature in individuals affected with MYLIP-related conditions. An algorithm developed to predict the effect of missense changes on protein structure and function (PolyPhen-2) suggests that this variant is likely to be disruptive. In summary, the available evidence is currently insufficient to determine the role of this variant in disease. Therefore, it has been classified as a Variant of Uncertain Significance.

NM_013262.4(MYLIP):c.1270C>T (p.Arg424Cys)

Gene: MYLIP (myosin regulatory light chain interacting protein; plus strand). Cytogenetic location: 6p22.3.
Variant type: single nucleotide variant.
Coding change: c.1270C>T on transcript NM_013262.4 (MANE Select); coding-DNA position 1270, C replaced by T.
Protein change: p.Arg424Cys; replaces arginine 424 with cysteine.
Molecular consequence: missense variant.
Genome position (GRCh38, 1-based): chr6:16,146,683, C>T. VCF-style: chr6-16146683-C-T. GRCh37 (hg19) VCF-style: chr6-16146914-C-T.
Other names: c.1270C>T (NM_013262.3); short protein forms R424C.
Identifiers: ClinVar variation 3018498 (VCV003018498.4), dbSNP rs753046284, ClinGen allele CA3644690.